The following is an entry in ClinVar:

NM_000465.4(BARD1):c.1487C>G (p.Ser496Ter)

Gene: BARD1 (BRCA1 associated RING domain 1; minus strand). Cytogenetic location: 2q35.
Variant type: single nucleotide variant.
Coding change: c.1487C>G on transcript NM_000465.4 (MANE Select); coding-DNA position 1487, C replaced by G.
Protein change: p.Ser496Ter; replaces serine 496 with a stop codon.
Molecular consequence: nonsense. On other transcripts: non-coding transcript variant (3), intron variant (3).
Genome position (GRCh38, 1-based): chr2:214,767,563, G>C on the plus strand (C>G on the coding strand, the complement: BARD1 is on the minus strand). VCF-style: chr2-214767563-G-C. GRCh37 (hg19) VCF-style: chr2-215632287-G-C.
Other names: c.1487C>G (NM_000465.2); c.1430C>G, p.Ser477Ter (NM_001282543.2); c.159-15008C>G (NM_001282548.2); c.216-15008C>G (NM_001282545.2); c.364+24734C>G (NM_001282549.2); short protein forms S496*, S477*.
Identifiers: ClinVar variation 460708 (VCV000460708.13), dbSNP rs1405646805, ClinGen allele CA350448401.

ClinVar aggregate classification (germline): Pathogenic. Review status: criteria provided, multiple submitters, no conflicts (2 of 4 stars). 4 submissions from 4 submitters: Pathogenic (4). Last evaluated 2025-09-17.

Conditions:
Hereditary cancer-predisposing syndrome. Also called: Neoplastic Syndromes, Hereditary; Tumor predisposition; Hereditary Cancer Syndrome; Hereditary neoplastic syndrome. Identifiers: Orphanet 140162, MedGen C0027672, MeSH D009386, MONDO:0015356.
Familial cancer of breast. Also called: BREAST CANCER, FAMILIAL; hereditary breast carcinoma; Hereditary breast cancer. Identifiers: Orphanet 227535, MedGen C0346153, MONDO:0016419, OMIM 114480. Disease mechanism: loss of function.

Allele frequency attached by ClinVar (database versions not stated): gnomAD exomes below 0.00001.
gnomAD v4.1: 1 of 1,614,046 alleles (0.000062%); highest among the groups gnomAD compares: Non-Finnish European, 0.000085%; no homozygotes.

Submissions (4):

Myriad Genetics, Inc.
Classification: Pathogenic for Familial cancer of breast. Last evaluated: 2025-09-17. Review status: criteria provided, single submitter. Criteria: Myriad Autosomal Dominant, Autosomal Recessive and X-Linked Classification Criteria (2023). Collection method: clinical testing. Allele origin: unknown.
Comment: This variant is considered pathogenic. This variant creates a termination codon and is predicted to result in premature protein truncation.

Labcorp Genetics (formerly Invitae), Labcorp
Classification: Pathogenic for Familial cancer of breast. Last evaluated: 2024-11-18. Review status: criteria provided, single submitter. Criteria: Invitae Variant Classification Sherloc (09022015). Collection method: clinical testing. Allele origin: germline.
Comment: This sequence change creates a premature translational stop signal (p.Ser496*) in the BARD1 gene. It is expected to result in an absent or disrupted protein product. Loss-of-function variants in BARD1 are known to be pathogenic (PMID: 20077502, 21344236). This variant is present in population databases (no rsID available, gnomAD 0.0009%). This premature translational stop signal has been observed in individual(s) with breast cancer (PMID: 26757417). ClinVar contains an entry for this variant (Variation ID: 460708). For these reasons, this variant has been classified as Pathogenic.

Ambry Genetics
Classification: Pathogenic for Hereditary cancer-predisposing syndrome. Last evaluated: 2023-06-23. Review status: criteria provided, single submitter. Criteria: Ambry Variant Classification Scheme 2023. Collection method: clinical testing. Allele origin: germline.
Comment: The p.S496* pathogenic mutation (also known as c.1487C>G), located in coding exon 6 of the BARD1 gene, results from a C to G substitution at nucleotide position 1487. This changes the amino acid from a serine to a stop codon within coding exon 6. In one study, a patient with a personal and family history of early onset breast cancer was identified to carry this alteration, in addition to a BRCA2 mutation (Ng PS et al. Clin Genet, 2016 Oct;90:315-23). This variant is considered to be rare based on population cohorts in the Genome Aggregation Database (gnomAD). This alteration is expected to result in loss of function by premature protein truncation or nonsense-mediated mRNA decay. As such, this alteration is interpreted as a disease-causing mutation.

Baylor Genetics
Classification: Pathogenic for Familial cancer of breast. Last evaluated: 2023-03-15. Review status: criteria provided, single submitter. Criteria: ACMG Guidelines, 2015. Collection method: clinical testing. Allele origin: unknown.

Literature cited by the submitters: PubMed 20077502 (cited by Labcorp Genetics (formerly Invitae), Labcorp); PubMed 21344236 (cited by Labcorp Genetics (formerly Invitae), Labcorp); PubMed 26757417 (cited by Labcorp Genetics (formerly Invitae), Labcorp and Ambry Genetics).